The following is an entry in ClinVar:

ClinVar aggregate classification (germline): Uncertain significance. Review status: criteria provided, multiple submitters, no conflicts (2 of 4 stars). 2 submissions from 2 submitters: Uncertain significance (2). Last evaluated 2024-11-22.

Conditions:
Pitt-Hopkins-like syndrome 2 (PTHSL2). Identifiers: Orphanet 221150, Orphanet 600663, MedGen C3280479, MONDO:0013690, OMIM 614325.
NRXN1-related disorder.

Allele frequency attached by ClinVar (database versions not stated): gnomAD 0.00001; ExAC 0.00002; gnomAD exomes 0.00002; TOPMed 0.00002; ESP Exome Variant Server 0.00017.
gnomAD v4.1: 59 of 1,565,788 alleles (0.0038%); highest among the groups gnomAD compares: Non-Finnish European, 0.0048%; no homozygotes.

Submissions (2):

PreventionGenetics, part of Exact Sciences
Classification: Uncertain significance for NRXN1-related condition. Last evaluated: 2024-11-22. Review status: criteria provided, single submitter. Criteria: ACMG Guidelines, 2015. Collection method: clinical testing. Allele origin: germline.
Comment: The NRXN1 c.2957G>T variant is predicted to result in the amino acid substitution p.Ser986Ile. To our knowledge, this variant has not been reported in the literature. This variant is reported in 0.0046% of alleles in individuals of South Asian descent in gnomAD. At this time, the clinical significance of this variant is uncertain due to the absence of conclusive functional and genetic evidence.

Labcorp Genetics (formerly Invitae), Labcorp
Classification: Uncertain significance for Pitt-Hopkins-like syndrome 2. Last evaluated: 2024-11-11. Review status: criteria provided, single submitter. Criteria: Invitae Variant Classification Sherloc (09022015). Collection method: clinical testing. Allele origin: germline.
Comment: This sequence change replaces serine, which is neutral and polar, with isoleucine, which is neutral and non-polar, at codon 986 of the NRXN1 protein (p.Ser986Ile). This variant is present in population databases (rs201337797, gnomAD 0.005%). This variant has not been reported in the literature in individuals affected with NRXN1-related conditions. ClinVar contains an entry for this variant (Variation ID: 644164). An algorithm developed to predict the effect of missense changes on protein structure and function (PolyPhen-2) suggests that this variant is likely to be disruptive. In summary, the available evidence is currently insufficient to determine the role of this variant in disease. Therefore, it has been classified as a Variant of Uncertain Significance.

NM_001330078.2(NRXN1):c.2837G>T (p.Ser946Ile)

Gene: NRXN1 (neurexin 1; minus strand). Cytogenetic location: 2p16.3.
Variant type: single nucleotide variant.
Coding change: c.2837G>T on transcript NM_001330078.2 (MANE Select); coding-DNA position 2837, G replaced by T.
Protein change: p.Ser946Ile; replaces serine 946 with isoleucine.
Molecular consequence: missense variant.
Genome position (GRCh38, 1-based): chr2:50,497,375, C>A on the plus strand (G>T on the coding strand, the complement: NRXN1 is on the minus strand). VCF-style: chr2-50497375-C-A. GRCh37 (hg19) VCF-style: chr2-50724513-C-A.
Other names: c.2957G>T (NM_001135659.2); c.2957G>T, p.Ser986Ile (NM_001135659.3); c.2813G>T, p.Ser938Ile (NM_001330077.2, NM_001330082.2); c.2771G>T, p.Ser924Ile (NM_001330083.2, NM_001330084.2); c.2810G>T, p.Ser937Ile (NM_001330085.2); c.2837G>T, p.Ser946Ile (NM_001330086.2, NM_004801.6); c.2726G>T, p.Ser909Ile (NM_001330087.2, NM_001330096.2); c.2756G>T, p.Ser919Ile (NM_001330088.2); and 3 more; short protein forms S937I, S942I, S945I, S986I, S919I, S924I, S946I, S909I.
Identifiers: ClinVar variation 644164 (VCV000644164.7), dbSNP rs201337797, ClinGen allele CA1654726.